The following is an entry in ClinVar:

NM_001080414.4(CCDC88C):c.631G>A (p.Val211Met)

Gene: CCDC88C (coiled-coil domain containing 88C; minus strand). Cytogenetic location: 14q32.11.
Variant type: single nucleotide variant.
Coding change: c.631G>A on transcript NM_001080414.4 (MANE Select); coding-DNA position 631, G replaced by A.
Protein change: p.Val211Met; replaces valine 211 with methionine.
Molecular consequence: missense variant.
Genome position (GRCh38, 1-based): chr14:91,339,456, C>T on the plus strand (G>A on the coding strand, the complement: CCDC88C is on the minus strand). VCF-style: chr14-91339456-C-T. GRCh37 (hg19) VCF-style: chr14-91805800-C-T.
Other names: short protein forms V211M.
Identifiers: ClinVar variation 2229395 (VCV002229395.2), dbSNP rs757210265, ClinGen allele CA7310154.

ClinVar aggregate classification (germline): Uncertain significance (1 of 4 stars; one submission).

Conditions:
Inborn genetic diseases. Identifiers: MedGen C0950123, MeSH D030342.

Allele frequency attached by ClinVar (database versions not stated): gnomAD exomes below 0.00001; ExAC 0.00001; TOPMed 0.00002; gnomAD 0.00003.
gnomAD v4.1: 6 of 1,603,190 alleles (0.00037%); highest among the groups gnomAD compares: Admixed American, 0.0034%; no homozygotes.

Submission:

Ambry Genetics
Classification: Uncertain significance for Inborn genetic diseases. Last evaluated: 2021-02-22. Review status: criteria provided, single submitter. Criteria: Ambry Variant Classification Scheme 2023. Collection method: clinical testing. Allele origin: germline.
Comment: The c.631G>A (p.V211M) alteration is located in exon 8 (coding exon 8) of the CCDC88C gene. This alteration results from a G to A substitution at nucleotide position 631, causing the valine (V) at amino acid position 211 to be replaced by a methionine (M). The p.V211M alteration is predicted to be tolerated by in silico analysis. Based on insufficient or conflicting evidence, the clinical significance of this alteration remains unclear.